The following is an entry in ClinVar:

ClinVar aggregate classification (germline): Uncertain significance (1 of 4 stars; one submission).

Conditions:
Nemaline myopathy 2 (NEM2). Also called: Nemaline myopathy 2, autosomal recessive. Identifiers: MedGen C1850569, MONDO:0009725, OMIM 256030.

Submission:

Labcorp Genetics (formerly Invitae), Labcorp
Classification: Uncertain significance for Nemaline myopathy 2. Last evaluated: 2022-05-29. Review status: criteria provided, single submitter. Criteria: Invitae Variant Classification Sherloc (09022015). Collection method: clinical testing. Allele origin: germline.
Comment: In summary, the available evidence is currently insufficient to determine the role of this variant in disease. Therefore, it has been classified as a Variant of Uncertain Significance. Algorithms developed to predict the effect of missense changes on protein structure and function are either unavailable or do not agree on the potential impact of this missense change (SIFT: "Deleterious"; PolyPhen-2: "Not Available"; Align-GVGD: "Class C0"). This variant has not been reported in the literature in individuals affected with NEB-related conditions. This variant is not present in population databases (gnomAD no frequency). This sequence change replaces lysine, which is basic and polar, with glutamic acid, which is acidic and polar, at codon 243 of the NEB protein (p.Lys243Glu).

NM_001164508.2(NEB):c.727A>G (p.Lys243Glu)

Gene: NEB (nebulin; minus strand). Cytogenetic location: 2q23.3.
Variant type: single nucleotide variant.
Coding change: c.727A>G on transcript NM_001164508.2 (MANE Select); coding-DNA position 727, A replaced by G.
Protein change: p.Lys243Glu; replaces lysine 243 with glutamic acid.
Molecular consequence: missense variant.
Genome position (GRCh38, 1-based): chr2:151,717,511, T>C on the plus strand (A>G on the coding strand, the complement: NEB is on the minus strand). VCF-style: chr2-151717511-T-C. GRCh37 (hg19) VCF-style: chr2-152574025-T-C.
Other names: c.727A>G, p.Lys243Glu (NM_001164507.2, NM_001271208.2, NM_004543.5); short protein forms K243E.
Identifiers: ClinVar variation 2020864 (VCV002020864.4), dbSNP rs2552278483, ClinGen allele CA348789084.